The following is an entry in ClinVar:

ClinVar aggregate classification (germline): Uncertain significance. Review status: criteria provided, multiple submitters, no conflicts (2 of 4 stars). 3 submissions from 3 submitters: Uncertain significance (3). Last evaluated 2025-10-01.

Conditions:
Sucrase-isomaltase deficiency (CSID). Also called: Deficiency of isomaltase; Congenital sucrose isomaltose malabsorption; Sucrose isomaltose enzyme deficiency; SI DEFICIENCY. Identifiers: Orphanet 35122, MedGen C1283620, MONDO:0009114, OMIM 222900.

Allele frequency attached by ClinVar (database versions not stated): ExAC 0.00005; gnomAD exomes 0.00005; TOPMed 0.00005; 1000 Genomes Project 30x 0.00031; 1000 Genomes Project 0.00040.
gnomAD v4.1: 60 of 1,612,322 alleles (0.0037%); highest among the groups gnomAD compares: East Asian, 0.083%; no homozygotes.

Submissions (3):

Labcorp Genetics (formerly Invitae), Labcorp
Classification: Uncertain significance. Last evaluated: 2025-10-01. Review status: criteria provided, single submitter. Criteria: Invitae Variant Classification Sherloc (09022015). Collection method: clinical testing. Allele origin: germline.
Comment: This sequence change replaces threonine, which is neutral and polar, with methionine, which is neutral and non-polar, at codon 1767 of the SI protein (p.Thr1767Met). This variant is present in population databases (rs199881454, gnomAD 0.03%). This variant has not been reported in the literature in individuals affected with SI-related conditions. ClinVar contains an entry for this variant (Variation ID: 903056). Invitae Evidence Modeling of protein sequence and biophysical properties (such as structural, functional, and spatial information, amino acid conservation, physicochemical variation, residue mobility, and thermodynamic stability) indicates that this missense variant is not expected to disrupt SI protein function with a negative predictive value of 95%. In summary, the available evidence is currently insufficient to determine the role of this variant in disease. Therefore, it has been classified as a Variant of Uncertain Significance.

Fulgent Genetics
Classification: Uncertain significance for Sucrase-isomaltase deficiency. Last evaluated: 2022-04-05. Review status: criteria provided, single submitter. Criteria: ACMG Guidelines, 2015. Collection method: clinical testing. Allele origin: unknown.

Illumina Laboratory Services, Illumina
Classification: Uncertain significance for Sucrase-isomaltase deficiency. Last evaluated: 2018-01-13. Review status: criteria provided, single submitter. Criteria: ICSL Variant Classification Criteria 13 December 2019. Collection method: clinical testing. Allele origin: germline.

NM_001041.4(SI):c.5300C>T (p.Thr1767Met)

Gene: SI (sucrase-isomaltase; minus strand). Cytogenetic location: 3q26.1.
Variant type: single nucleotide variant.
Coding change: c.5300C>T on transcript NM_001041.4 (MANE Select); coding-DNA position 5300, C replaced by T.
Protein change: p.Thr1767Met; replaces threonine 1767 with methionine.
Molecular consequence: missense variant.
Genome position (GRCh38, 1-based): chr3:164,982,358, G>A on the plus strand (C>T on the coding strand, the complement: SI is on the minus strand). VCF-style: chr3-164982358-G-A. GRCh37 (hg19) VCF-style: chr3-164700146-G-A.
Other names: short protein forms T1767M.
Identifiers: ClinVar variation 903056 (VCV000903056.7), dbSNP rs199881454, ClinGen allele CA2689558.
Genomic context (GRCh38, chr3:164,982,358, plus strand): 5'-AGAGTAACTGCATTGACAGGAGTAGTTCCTTTCCCCCATACATGAAGGGATCCAAGCCTC[G>A]TTTCACTTTTATTTATGTAACCTCTCTTCAATATAGTGCTTGTTAAGGTGGTCTATAAAT-3'
Protein context (NP_001032.2, residues 1757-1777): LKRGYINKSE[Thr1767Met]RLGSLHVWGK